The following is an entry in ClinVar:

ClinVar aggregate classification (germline): Uncertain significance. Review status: criteria provided, multiple submitters, no conflicts (2 of 4 stars). 2 submissions from 2 submitters: Uncertain significance (2). Last evaluated 2024-01-14.

Conditions:
Koolen-de Vries syndrome (KDVS). Identifiers: Orphanet 96169, MedGen C1864871, MONDO:0012496, OMIM 610443.

Allele frequency attached by ClinVar (database versions not stated): ExAC 0.00001; gnomAD exomes 0.00001.
gnomAD v4.1: 8 of 1,614,266 alleles (0.0005%); highest among the groups gnomAD compares: Non-Finnish European, 0.00068%; no homozygotes.

Submissions (2):

Fulgent Genetics
Classification: Uncertain significance for Koolen-de Vries syndrome. Last evaluated: 2024-01-14. Review status: criteria provided, single submitter. Criteria: ACMG Guidelines, 2015. Collection method: clinical testing. Allele origin: germline.

Labcorp Genetics (formerly Invitae), Labcorp
Classification: Uncertain significance for Koolen-de Vries syndrome. Last evaluated: 2021-10-14. Review status: criteria provided, single submitter. Criteria: Invitae Variant Classification Sherloc (09022015). Collection method: clinical testing. Allele origin: germline.
Comment: Due to the possible presence of a polymorphic segmental duplication, the location of the variant could not be unambiguously resolved. Variants with ambiguous mapping are still reported relative to the KANSL1 transcript. This sequence change replaces asparagine with serine at codon 37 of the KANSL1 protein (p.Asn37Ser). The asparagine residue is highly conserved and there is a small physicochemical difference between asparagine and serine. The frequency data for this variant in the population databases is considered unreliable, as metrics indicate poor data quality at this position in the ExAC database. This variant has not been reported in the literature in individuals with KANSL1-related conditions. Algorithms developed to predict the effect of missense changes on protein structure and function are either unavailable or do not agree on the potential impact of this missense change (SIFT: "Tolerated"; PolyPhen-2: "Possibly Damaging"; Align-GVGD: "Class C0"). Until the location of this sequence change can be resolved, the clinical significance of this variant remains uncertain. It has been classified as a Variant of Uncertain Significance.

NM_015443.4(KANSL1):c.110A>G (p.Asn37Ser)

Gene: KANSL1 (KAT8 regulatory NSL complex subunit 1). Cytogenetic location: 17q21.31.
Variant type: single nucleotide variant.
Coding change: c.110A>G on transcript NM_015443.4 (MANE Select); coding-DNA position 110, A replaced by G.
Protein change: p.Asn37Ser; replaces asparagine 37 with serine.
Molecular consequence: missense variant.
Genome position (GRCh38, 1-based): chr17:46,172,034, T>C on the plus strand (A>G on the coding strand, the complement: KANSL1 is on the minus strand). VCF-style: chr17-46172034-T-C. GRCh37 (hg19) VCF-style: chr17-44249400-T-C.
Other names: c.110A>G, p.Asn37Ser (NM_001193465.2, NM_001193466.2, NM_001379198.1); short protein forms N37S.
Identifiers: ClinVar variation 1410295 (VCV001410295.6), dbSNP rs769773348, ClinGen allele CA8619109.